The following is an entry in ClinVar:

ClinVar aggregate classification (germline): Likely benign. Review status: criteria provided, multiple submitters, no conflicts (2 of 4 stars). 6 submissions from 6 submitters: Likely benign (4). 2 of the submissions do not count toward it. Last evaluated 2026-07-01.

Conditions:
DNAH10-related disorder. Also called: DNAH10-related condition.

Allele frequency attached by ClinVar (database versions not stated): 1000 Genomes Project 0.00200; 1000 Genomes Project 30x 0.00234; TOPMed 0.00282; ESP Exome Variant Server 0.00310; gnomAD 0.00312 and 0.00313; gnomAD exomes 0.00355 and 0.00401; ExAC 0.00625.
gnomAD v4.1: 6,224 of 1,574,356 alleles (0.4%); highest among the groups gnomAD compares: Middle Eastern, 1%; 27 homozygotes.

Submissions (6):

CeGaT Center for Human Genetics Tuebingen
Classification: Likely benign. Last evaluated: 2026-07-01. Review status: criteria provided, single submitter. Criteria: CeGaT Center For Human Genetics Tuebingen Variant Classification Criteria Version 2. Collection method: clinical testing. Allele origin: germline. Affected: yes. Observed: 3 variant alleles.
Comment: DNAH10: PP2, BS2

Genomic Medicine Center of Excellence, King Faisal Specialist Hospital and Research Centre
Classification: Likely benign. Last evaluated: 2025-08-18. Review status: criteria provided, single submitter. Criteria: ACMG Guidelines, 2015. Collection method: clinical testing. Allele origin: germline.

PreventionGenetics, part of Exact Sciences
Classification: Likely benign for DNAH10-related condition. Last evaluated: 2024-12-02. Review status: criteria provided, single submitter. Criteria: ACMG Guidelines, 2015. Collection method: clinical testing. Allele origin: germline.
Comment: This variant is classified as likely benign based on ACMG/AMP sequence variant interpretation guidelines (Richards et al. 2015 PMID: 25741868, with internal and published modifications).

Labcorp Genetics (formerly Invitae), Labcorp
Classification: Likely benign. Last evaluated: 2018-02-08. Review status: criteria provided, single submitter. Criteria: Invitae Variant Classification Sherloc (09022015). Collection method: clinical testing. Allele origin: germline.

Clinical Genetics, Academic Medical Center
Classification: Benign. Review status: no assertion criteria provided. Collection method: clinical testing. Allele origin: germline. Affected: yes. Study: VKGL Data-share Consensus. Not counted in ClinVar's aggregate classification.

Laboratory of Diagnostic Genome Analysis, Leiden University Medical Center (LUMC)
Classification: Likely benign. Review status: no assertion criteria provided. Collection method: clinical testing. Allele origin: germline. Affected: yes. Study: VKGL Data-share Consensus. Not counted in ClinVar's aggregate classification.

NM_001372106.1(DNAH10):c.11213C>T (p.Thr3738Ile)

Genes: DNAH10 (dynein axonemal heavy chain 10; plus strand), LOC126861667 (CDK7 strongly-dependent group 2 enhancer GRCh37_chr12:124402328-124403527; plus strand). Cytogenetic location: 12q24.31.
Variant type: single nucleotide variant.
Coding change: c.11213C>T on transcript NM_001372106.1 (MANE Select); coding-DNA position 11213, C replaced by T.
Protein change: p.Thr3738Ile; replaces threonine 3738 with isoleucine.
Molecular consequence: missense variant.
Genome position (GRCh38, 1-based): chr12:123,917,794, C>T. VCF-style: chr12-123917794-C-T. GRCh37 (hg19) VCF-style: chr12-124402341-C-T.
Other names: c.10859C>T, p.Thr3620Ile (NM_207437.3); short protein forms T3620I, T3738I.
Identifiers: ClinVar variation 781818 (VCV000781818.32), dbSNP rs202063832, ClinGen allele CA6865588.